The following is an entry in ClinVar:

ClinVar aggregate classification (germline): Uncertain significance (1 of 4 stars; one submission).

Conditions:
Hereditary cancer-predisposing syndrome. Also called: Neoplastic Syndromes, Hereditary; Hereditary Cancer Syndrome; Hereditary neoplastic syndrome; Tumor predisposition. Identifiers: Orphanet 140162, MedGen C0027672, MeSH D009386, MONDO:0015356.

Submission:

Ambry Genetics
Classification: Uncertain significance for Hereditary cancer-predisposing syndrome. Last evaluated: 2023-06-07. Review status: criteria provided, single submitter. Criteria: Ambry Variant Classification Scheme 2023. Collection method: clinical testing. Allele origin: germline.
Comment: The c.382_383delTCinsCT variant (also known as p.S128L), located in coding exon 4 of the BRIP1 gene, results from an in-frame deletion of TC and insertion of CT at nucleotide positions 382 to 383. This results in the substitution of the serine residue for a leucine residue at codon 128, an amino acid with dissimilar properties. This amino acid position is well conserved in available vertebrate species. In addition, this alteration is predicted to be neutral by in silico analysis (Choi Y et al. PLoS ONE. 2012; 7(10):e46688). Since supporting evidence is limited at this time, the clinical significance of this alteration remains unclear.

NM_032043.3(BRIP1):c.382_383delinsCT (p.Ser128Leu)

Gene: BRIP1 (BRCA1 interacting DNA helicase 1; minus strand). Cytogenetic location: 17q23.2.
Variant type: Indel.
Coding change: c.382_383delinsCT on transcript NM_032043.3 (MANE Select); coding-DNA positions 382 to 383, TC replaced by CT.
Protein change: p.Ser128Leu; replaces serine 128 with leucine.
Molecular consequence: missense variant.
Genome position (GRCh38, 1-based): chr17:61,849,253-61,849,254, GA replaced by AG on the plus strand (TC replaced by CT on the coding strand, the reverse complement: BRIP1 is on the minus strand). VCF-style: chr17-61849253-GA-AG. GRCh37 (hg19) VCF-style: chr17-59926614-GA-AG.
Other names: short protein forms S128L.
Identifiers: ClinVar variation 2564603 (VCV002564603.2), dbSNP rs2545422563, ClinGen allele CA2580613201.